The following is an entry in ClinVar:

NM_007294.4(BRCA1):c.72_73insGTCT (p.Pro25fs)

Gene: BRCA1 (BRCA1 DNA repair associated; minus strand). Cytogenetic location: 17q21.31.
Variant type: Insertion.
Coding change: c.72_73insGTCT on transcript NM_007294.4 (MANE Select); coding-DNA positions 72 to 73, GTCT inserted.
Protein change: p.Pro25fs; shifts the reading frame from proline 25.
Molecular consequence: frameshift variant. On other transcripts: 5 prime UTR variant (1), non-coding transcript variant (1).
Genome position: GRCh38 VCF-style: chr17-43124024-G-GAGAC. GRCh37 (hg19) VCF-style: chr17-41276041-G-GAGAC.
Other names: c.72_73insGTCT, p.Pro25fs (NM_007294.3, NM_007299.4, NM_007300.4); c.-17_-16insTGTC (NM_001407744.1, NM_001407750.1, NM_001407845.1 and 22 more transcripts); c.-190_-189insTGTC (NM_001407748.1, NM_001407752.1, NM_001407838.1 and 22 more transcripts); c.-187_-186insTGTC (NM_001407749.1, NM_001407842.1, NM_001407843.1 and 11 more transcripts); c.-136_-135insTGTC (NM_001407751.1, NM_001407726.1); c.-67_-66insTGTC (NM_001407841.1); c.-216_-215insTGTC (NM_001407846.1, NM_001407920.1, NM_001407697.1); c.-118_-117insTGTC (NM_001407853.1, NM_001407879.1, NM_001407882.1 and 46 more transcripts); and 10 more; short protein forms P25fs.
Identifiers: ClinVar variation 548230 (VCV000548230.2), dbSNP rs1555600872, ClinGen allele CA658823843.

ClinVar aggregate classification (germline): Pathogenic (3 of 4 stars; one submission).

Conditions:
Breast-ovarian cancer, familial, susceptibility to, 1 (BROVCA1). Also called: BRCA1 Hereditary Breast and Ovarian Cancer; OVARIAN CANCER, SUSCEPTIBILITY TO. Identifiers: Orphanet 145, MedGen C2676676, MONDO:0011450, OMIM 604370. Disease mechanism: loss of function.

Submission:

Evidence-based Network for the Interpretation of Germline Mutant Alleles (ENIGMA)
Classification: Pathogenic for Breast-ovarian cancer, familial, susceptibility to, 1. Last evaluated: 2017-12-15. Review status: reviewed by expert panel. Criteria: ENIGMA BRCA1/2 Classification Criteria (2017-06-29). Collection method: curation. Allele origin: germline. Study: ENIGMA.
Comment: Variant allele predicted to encode a truncated non-functional protein.